The following is an entry in ClinVar:

ClinVar aggregate classification (germline): Conflicting classifications of pathogenicity. Review status: criteria provided, conflicting classifications (1 of 4 stars). 6 submissions from 5 submitters: Uncertain significance (2); Likely benign (3). 1 of the submissions does not count toward it. Last evaluated 2025-01-04.

Conditions:
Inborn genetic diseases. Identifiers: MedGen C0950123, MeSH D030342.
Irido-corneo-trabecular dysgenesis (ASGD5). Also called: ANTERIOR SEGMENT DYSGENESIS 5. Identifiers: Orphanet 708, MedGen C0344559, MONDO:0011414, OMIM 604229, HP:0000659.
Congenital glaucoma. Identifiers: MedGen C0020302, MONDO:0020366.
Glaucoma 3A. Also called: Glaucoma 3, primary congenital, A. Identifiers: Orphanet 98976, Orphanet 98977, MedGen C1856439, MONDO:0009277, OMIM 231300.
CYP1B1-related disorder. Also called: CYP1B1-Related Disorders. Identifiers: MedGen CN239260.

Allele frequency attached by ClinVar (database versions not stated): ESP Exome Variant Server 0.00008; gnomAD 0.00013 and 0.00014; ExAC 0.00015; 1000 Genomes Project 30x 0.00016; TOPMed 0.00018; 1000 Genomes Project 0.00020.
gnomAD v4.1: 160 of 1,613,040 alleles (0.0099%); highest among the groups gnomAD compares: African/African-American, 0.012%; 2 homozygotes.

Submissions (6):

Ambry Genetics
Classification: Likely benign for Inborn genetic diseases. Last evaluated: 2025-01-04. Review status: criteria provided, single submitter. Criteria: Ambry Variant Classification Scheme 2023. Collection method: clinical testing. Allele origin: germline.

Blueprint Genetics
Classification: Likely benign. Last evaluated: 2024-10-15. Review status: criteria provided, single submitter. Criteria: ACMG Guidelines, 2015. Collection method: clinical testing. Allele origin: germline.

Labcorp Genetics (formerly Invitae), Labcorp
Classification: Likely benign for Congenital glaucoma. Last evaluated: 2024-08-26. Review status: criteria provided, single submitter. Criteria: Invitae Variant Classification Sherloc (09022015). Collection method: clinical testing. Allele origin: germline.

Illumina Laboratory Services, Illumina
Classification: Uncertain significance for Irido-corneo-trabecular dysgenesis. Last evaluated: 2017-04-28. Review status: criteria provided, single submitter. Criteria: ICSL Variant Classification Criteria 13 December 2019. Collection method: clinical testing. Allele origin: germline.

Illumina Laboratory Services, Illumina
Classification: Uncertain significance for Glaucoma 3A. Last evaluated: 2017-04-28. Review status: criteria provided, single submitter. Criteria: ICSL Variant Classification Criteria 13 December 2019. Collection method: clinical testing. Allele origin: germline.

PreventionGenetics, part of Exact Sciences
Classification: Likely benign for CYP1B1-related condition. Last evaluated: 2019-11-12. Review status: no assertion criteria provided. Collection method: clinical testing. Allele origin: germline. Not counted in ClinVar's aggregate classification.
Comment: This variant is classified as likely benign based on ACMG/AMP sequence variant interpretation guidelines (Richards et al. 2015 PMID: 25741868, with internal and published modifications).

NM_000104.4(CYP1B1):c.1089C>T (p.Val363=)

Gene: CYP1B1 (cytochrome P450 family 1 subfamily B member 1; minus strand). Cytogenetic location: 2p22.2.
Variant type: single nucleotide variant.
Coding change: c.1089C>T on transcript NM_000104.4 (MANE Select); coding-DNA position 1089, C replaced by T.
Protein change: p.Val363=; no amino-acid change (valine 363 retained).
Molecular consequence: synonymous variant.
Genome position (GRCh38, 1-based): chr2:38,071,265, G>A on the plus strand (C>T on the coding strand, the complement: CYP1B1 is on the minus strand). VCF-style: chr2-38071265-G-A. GRCh37 (hg19) VCF-style: chr2-38298408-G-A.
Identifiers: ClinVar variation 898290 (VCV000898290.11), dbSNP rs148461905, ClinGen allele CA1619866.
Genomic context (GRCh38, chr2:38,071,265, plus strand): 5'-GGCCAGGACATAGGGCAGGTTGGGCTGGTCACCCATACAAGGCAGACGGTCCCTCCCCAC[G>A]ACCTGATCCAATTCTGCCTGCACTCGAGTCTGCACATCAGGATACCTGTTTGGTGTTTAA-3'
Protein context (NP_000095.2, residues 353-373): QTRVQAELDQ[Val363=]VGRDRLPCMG